The following is an entry in ClinVar:

NM_000059.4(BRCA2):c.2353A>C (p.Ile785Leu)

Gene: BRCA2 (BRCA2 DNA repair associated; plus strand). Cytogenetic location: 13q13.1.
Variant type: single nucleotide variant.
Coding change: c.2353A>C on transcript NM_000059.4 (MANE Select); coding-DNA position 2353, A replaced by C.
Protein change: p.Ile785Leu; replaces isoleucine 785 with leucine.
Molecular consequence: missense variant. On other transcripts: non-coding transcript variant (1), intron variant (2).
Genome position (GRCh38, 1-based): chr13:32,336,708, A>C. VCF-style: chr13-32336708-A-C. GRCh37 (hg19) VCF-style: chr13-32910845-A-C.
Other names: c.2353A>C, p.Ile785Leu (NM_001406719.1, NM_001406720.1); c.1909+3321A>C (NM_001406721.1); c.424+5678A>C (NM_001406722.1); short protein forms I785L.
Identifiers: ClinVar variation 2451507 (VCV002451507.4), dbSNP rs747748537, ClinGen allele CA387771660.

ClinVar aggregate classification (germline): Conflicting classifications of pathogenicity. Review status: criteria provided, conflicting classifications (1 of 4 stars). 2 submissions from 2 submitters: Uncertain significance (1); Likely benign (1). Last evaluated 2025-03-09.

Conditions:
Hereditary cancer-predisposing syndrome. Also called: Hereditary neoplastic syndrome; Tumor predisposition; Hereditary Cancer Syndrome; Neoplastic Syndromes, Hereditary. Identifiers: Orphanet 140162, MedGen C0027672, MeSH D009386, MONDO:0015356.

gnomAD v4.1: 2 of 1,614,042 alleles (0.00012%); no homozygotes.

Submissions (2):

GeneDx
Classification: Uncertain significance. Last evaluated: 2025-03-09. Review status: criteria provided, single submitter. Criteria: GeneDx Variant Classification Process June 2021. Collection method: clinical testing. Allele origin: germline.
Comment: Not observed at significant frequency in large population cohorts (gnomAD); In silico analysis indicates that this missense variant does not alter protein structure/function; Has not been previously published as pathogenic or benign to our knowledge; Also known as 2581A>C

Ambry Genetics
Classification: Likely benign for Hereditary cancer-predisposing syndrome. Last evaluated: 2022-12-20. Review status: criteria provided, single submitter. Criteria: Ambry Variant Classification Scheme 2023. Collection method: clinical testing. Allele origin: germline.